The following is an entry in ClinVar:

NM_005732.4(RAD50):c.2038T>C (p.Cys680Arg)

Gene: RAD50 (RAD50 double strand break repair protein; plus strand). Cytogenetic location: 5q31.1.
Variant type: single nucleotide variant.
Coding change: c.2038T>C on transcript NM_005732.4 (MANE Select); coding-DNA position 2038, T replaced by C.
Protein change: p.Cys680Arg; replaces cysteine 680 with arginine.
Molecular consequence: missense variant.
Genome position (GRCh38, 1-based): chr5:132,595,641, T>C. VCF-style: chr5-132595641-T-C. GRCh37 (hg19) VCF-style: chr5-131931333-T-C.
Other names: short protein forms C680R.
Identifiers: ClinVar variation 1784853 (VCV001784853.8), dbSNP rs1554098678, ClinGen allele CA360949537.
Genomic context (GRCh38, chr5:132,595,641, plus strand): 5'-GCTGGAGCCACAGCAGTTTACTCCCAGTTCATTACTCAGCTAACAGACGAAAACCAGTCA[T>C]GTTGCCCCGTTTGTCAGAGAGTTTTTCAGACAGAGGCTGAGTTACAAGAAGTCATCAGTG-3'
Protein context (NP_005723.2, residues 670-690): ITQLTDENQS[Cys680Arg]CPVCQRVFQT

ClinVar aggregate classification (germline): Uncertain significance. Review status: criteria provided, multiple submitters, no conflicts (2 of 4 stars). 3 submissions from 3 submitters: Uncertain significance (3). Last evaluated 2025-09-09.

Conditions:
Hereditary cancer-predisposing syndrome. Also called: Neoplastic Syndromes, Hereditary; Tumor predisposition; Hereditary Cancer Syndrome; Hereditary neoplastic syndrome. Identifiers: Orphanet 140162, MedGen C0027672, MeSH D009386, MONDO:0015356.

Allele frequency attached by ClinVar (database versions not stated): gnomAD exomes below 0.00001.

Submissions (3):

Quest Diagnostics Nichols Institute San Juan Capistrano
Classification: Uncertain significance. Last evaluated: 2025-09-09. Review status: criteria provided, single submitter. Criteria: Quest Diagnostics criteria. Collection method: clinical testing. Allele origin: unknown.
Comment: The RAD50 c.2038T>C (p.Cys680Arg) variant has not been reported in individuals with RAD50-related conditions in the published literature. This variant has not been reported in large, multi-ethnic general populations (Genome Aggregation Database). Analysis of this variant using bioinformatics tools for the prediction of the effect of amino acid changes on protein structure and function yielded conflicting predictions that this variant is benign or damaging. Based on the available information, we are unable to determine the clinical significance of this variant.

Ambry Genetics
Classification: Uncertain significance for Hereditary cancer-predisposing syndrome. Last evaluated: 2024-03-10. Review status: criteria provided, single submitter. Criteria: Ambry Variant Classification Scheme 2023. Collection method: clinical testing. Allele origin: germline.
Comment: The p.C680R variant (also known as c.2038T>C), located in coding exon 13 of the RAD50 gene, results from a T to C substitution at nucleotide position 2038. The cysteine at codon 680 is replaced by arginine, an amino acid with highly dissimilar properties. This amino acid position is conserved. In addition, this alteration is predicted to be deleterious by in silico analysis. Since supporting evidence is limited at this time, the clinical significance of this alteration remains unclear.

Labcorp Genetics (formerly Invitae), Labcorp
Classification: Uncertain significance for Hereditary cancer-predisposing syndrome. Last evaluated: 2023-03-02. Review status: criteria provided, single submitter. Criteria: Invitae Variant Classification Sherloc (09022015). Collection method: clinical testing. Allele origin: germline.
Comment: Advanced modeling of protein sequence and biophysical properties (such as structural, functional, and spatial information, amino acid conservation, physicochemical variation, residue mobility, and thermodynamic stability) performed at Invitae indicates that this missense variant is expected to disrupt RAD50 protein function. In summary, the available evidence is currently insufficient to determine the role of this variant in disease. Therefore, it has been classified as a Variant of Uncertain Significance. ClinVar contains an entry for this variant (Variation ID: 1784853). This variant has not been reported in the literature in individuals affected with RAD50-related conditions. This variant is not present in population databases (gnomAD no frequency). This sequence change replaces cysteine, which is neutral and slightly polar, with arginine, which is basic and polar, at codon 680 of the RAD50 protein (p.Cys680Arg).